The following is an entry in ClinVar:

ClinVar aggregate classification (germline): Uncertain significance. Review status: criteria provided, multiple submitters, no conflicts (2 of 4 stars). 3 submissions from 3 submitters: Uncertain significance (2). 1 of the submissions does not count toward it. Last evaluated 2025-08-27.

Conditions:
Stuve-Wiedemann syndrome (STWS). Also called: Stüve-Wiedemann syndrome. Identifiers: Orphanet 3206, MedGen C0796176, MONDO:0031280.
Inborn genetic diseases. Identifiers: MedGen C0950123, MeSH D030342.

Submissions (3):

Ambry Genetics
Classification: Uncertain significance for Inborn genetic diseases. Last evaluated: 2025-08-27. Review status: criteria provided, single submitter. Criteria: Ambry Variant Classification Scheme 2023. Collection method: clinical testing. Allele origin: germline.

GeneDx
Classification: Uncertain significance. Last evaluated: 2023-05-18. Review status: criteria provided, single submitter. Criteria: GeneDx Variant Classification Process June 2021. Collection method: clinical testing. Allele origin: germline. Affected: yes.
Comment: Not observed at significant frequency in large population cohorts (gnomAD); In silico analysis supports that this missense variant has a deleterious effect on protein structure/function; Has not been previously published as pathogenic or benign to our knowledge

Institute of Human Genetics, Cologne University
Classification: Uncertain significance for Stüve-Wiedemann syndrome 1. Last evaluated: 2021-02-01. Review status: no assertion criteria provided. Collection method: clinical testing. Allele origin: germline. Inheritance: Autosomal recessive inheritance. Affected: yes. Not counted in ClinVar's aggregate classification.
Comment: PM2_supporting PP3 PP4 PM3_supporting.

NM_001127671.2(LIFR):c.808T>G (p.Cys270Gly)

Gene: LIFR (LIF receptor subunit alpha; minus strand). Cytogenetic location: 5p13.1.
Variant type: single nucleotide variant.
Coding change: c.808T>G on transcript NM_001127671.2 (MANE Select); coding-DNA position 808, T replaced by G.
Protein change: p.Cys270Gly; replaces cysteine 270 with glycine.
Molecular consequence: missense variant.
Genome position (GRCh38, 1-based): chr5:38,510,647, A>C on the plus strand (T>G on the coding strand, the complement: LIFR is on the minus strand). VCF-style: chr5-38510647-A-C. GRCh37 (hg19) VCF-style: chr5-38510749-A-C.
Other names: c.808T>G, p.Cys270Gly (NM_001364297.2, NM_001364298.2, NM_002310.6); short protein forms C270G.
Identifiers: ClinVar variation 996061 (VCV000996061.3), dbSNP rs2112493238, ClinGen allele CA359547150.